The following is an entry in ClinVar:

NM_001363711.2(DUOX2):c.3485G>A (p.Cys1162Tyr)

Gene: DUOX2 (dual oxidase 2; minus strand). Cytogenetic location: 15q21.1.
Variant type: single nucleotide variant.
Coding change: c.3485G>A on transcript NM_001363711.2 (MANE Select); coding-DNA position 3485, G replaced by A.
Protein change: p.Cys1162Tyr; replaces cysteine 1162 with tyrosine.
Molecular consequence: missense variant.
Genome position (GRCh38, 1-based): chr15:45,099,413, C>T on the plus strand (G>A on the coding strand, the complement: DUOX2 is on the minus strand). VCF-style: chr15-45099413-C-T. GRCh37 (hg19) VCF-style: chr15-45391611-C-T.
Other names: c.3485G>A, p.Cys1162Tyr (NM_014080.5); short protein forms C1162Y.
Identifiers: ClinVar variation 2791293 (VCV002791293.3), dbSNP rs866257357, ClinGen allele CA270122160.
Genomic context (GRCh38, chr15:45,099,413, plus strand): 5'-GTCCCAGGAGAAACCATCCCCAGAACTGACCCATCATTCACAAAGACGTTGGGGAATATG[C>T]AGGCCAGCAGGCTGAGTGGGCTGACTGAGAAGATGTAGACATTGACTGCGTGGCCAGCAC-3'
Protein context (NP_001350640.1, residues 1152-1172): FSVSPLSLLA[Cys1162Tyr]IFPNVFVNDG

ClinVar aggregate classification (germline): Uncertain significance (1 of 4 stars; one submission).

gnomAD v4.1: 1 of 1,614,102 alleles (0.000062%); highest among the groups gnomAD compares: Non-Finnish European, 0.000085%; no homozygotes.

Submission:

Labcorp Genetics (formerly Invitae), Labcorp
Classification: Uncertain significance. Last evaluated: 2023-11-10. Review status: criteria provided, single submitter. Criteria: Invitae Variant Classification Sherloc (09022015). Collection method: clinical testing. Allele origin: germline.
Comment: This sequence change replaces cysteine, which is neutral and slightly polar, with tyrosine, which is neutral and polar, at codon 1162 of the DUOX2 protein (p.Cys1162Tyr). This variant is not present in population databases (gnomAD no frequency). This variant has not been reported in the literature in individuals affected with DUOX2-related conditions. Advanced modeling of protein sequence and biophysical properties (such as structural, functional, and spatial information, amino acid conservation, physicochemical variation, residue mobility, and thermodynamic stability) performed at Invitae indicates that this missense variant is expected to disrupt DUOX2 protein function with a positive predictive value of 80%. In summary, the available evidence is currently insufficient to determine the role of this variant in disease. Therefore, it has been classified as a Variant of Uncertain Significance.